The following is an entry in ClinVar:

NM_001098519.2(LRRC43):c.181C>T (p.Arg61Ter)

Gene: LRRC43 (leucine rich repeat containing 43; plus strand). Cytogenetic location: 12q24.31.
Variant type: single nucleotide variant.
Coding change: c.181C>T on transcript NM_001098519.2 (MANE Select); coding-DNA position 181, C replaced by T.
Protein change: p.Arg61Ter; replaces arginine 61 with a stop codon.
Molecular consequence: nonsense. On other transcripts: 5 prime UTR variant (1).
Genome position (GRCh38, 1-based): chr12:122,184,549, C>T. VCF-style: chr12-122184549-C-T. GRCh37 (hg19) VCF-style: chr12-122669096-C-T.
Other names: c.-375C>T (NM_152759.5); short protein forms R61*.
Identifiers: ClinVar variation 1331624 (VCV001331624.4), dbSNP rs200229491, ClinGen allele CA6842511.
Genomic context (GRCh38, chr12:122,184,549, plus strand): 5'-CTACAGAAAATCCCTCCTCTGCCACTGCAGAATAAGTCGCGCTTTCTTCCTCAAACTTGG[C>T]GAACTTGGAGGGAGCTTGTCCCCAGAGAGGAGGATGTGGTGAGCCCCGGAGAGGAGACGG-3'

ClinVar aggregate classification (germline): Uncertain significance (0 of 4 stars; one submission).

Allele frequency attached by ClinVar (database versions not stated): gnomAD 0.00003 and 0.00004; TOPMed 0.00006; gnomAD exomes 0.00007; ESP Exome Variant Server 0.00008; ExAC 0.00009.
gnomAD v4.1: 61 of 1,613,438 alleles (0.0038%); highest among the groups gnomAD compares: Admixed American, 0.018%; no homozygotes.

Submission:

Greenwood Genetic Center Diagnostic Laboratories, Greenwood Genetic Center
Classification: Uncertain significance. Last evaluated: 2021-03-22. Review status: no assertion criteria provided. Collection method: clinical testing. Allele origin: germline. Affected: yes.
Comment: Gene of uncertain clinical significance